The following is an entry in ClinVar:

ClinVar aggregate classification (germline): Pathogenic/Likely pathogenic. Review status: criteria provided, multiple submitters, no conflicts (2 of 4 stars). 3 submissions from 3 submitters: Pathogenic (2); Likely pathogenic (1). Last evaluated 2025-04-16.

Conditions:
Diamond-Blackfan anemia 10 (DBA10). Also called: RPS26-Related Diamond-Blackfan Anemia. Identifiers: Orphanet 124, MedGen C2750080, MONDO:0013217, OMIM 613309.
Diamond-Blackfan anemia. Also called: Blackfan Diamond syndrome; Aregenerative anemia chronic congenital; Red cell aplasia, pure hereditary; Congenital hypoplastic anemia; Aase syndrome. Identifiers: Orphanet 124, MedGen C1260899, MeSH D029503, MONDO:0015253, HP:0004810.

Submissions (3):

Ambry Genetics
Classification: Likely pathogenic for Diamond-Blackfan anemia. Last evaluated: 2025-04-16. Review status: criteria provided, single submitter. Criteria: Ambry Variant Classification Scheme 2023. Collection method: clinical testing. Allele origin: germline.
Comment: The p.Q19* variant (also known as c.55C>T), located in coding exon 2 of the RPS26 gene, results from a C to T substitution at nucleotide position 55. This changes the amino acid from a glutamine to a stop codon within coding exon 2. The predicted stop codon occurs in the 5&rsquo; end of theRPS26 gene. Premature termination codons in the 5&rsquo; end of a gene have been reported to escape nonsense-mediated mRNAdecay and/or lead to re-initiation (Rivas et al. Science. 2015 May 8;348(6235):666-9; Lindeboom et al. Nat Genet. 2016 Oct;48(10):1112-8; Rhee et al. Sci Rep. 2017 May 10;7(1):1653). Direct evidence for this alteration is unavailable, however premature termination codons are typically deleterious in nature. This variant was reported in individual(s) with features consistent with Diamond-Blackfan anemia (Guidugli L et al. Leukemia, 2017 May;31:1226-1229; Ambry internal data). This variant is considered to be rare based on population cohorts in the Genome Aggregation Database (gnomAD). Based on the majority of available evidence to date, this variant is likely to be pathogenic.

Molecular Diagnostics Laboratory, M Health Fairview: University of Minnesota
Classification: Pathogenic for Diamond-Blackfan anemia 10. Last evaluated: 2018-03-27. Review status: criteria provided, single submitter. Criteria: ACMG Guidelines, 2015. Collection method: clinical testing. Allele origin: germline. Affected: yes. Observed: 1 variant allele.

Genetic Services Laboratory, University of Chicago
Classification: Pathogenic for Diamond-Blackfan anemia 10. Last evaluated: 2015-04-14. Review status: criteria provided, single submitter. Criteria: ACMG Guidelines, 2015. Collection method: clinical testing. Allele origin: germline. Affected: yes.

Literature cited by the submitters: PubMed 28104920 (cited by Ambry Genetics).

NM_001029.5(RPS26):c.55C>T (p.Gln19Ter)

Gene: RPS26 (ribosomal protein S26; plus strand). Cytogenetic location: 12q13.2.
Variant type: single nucleotide variant.
Coding change: c.55C>T on transcript NM_001029.5 (MANE Select); coding-DNA position 55, C replaced by T.
Protein change: p.Gln19Ter; replaces glutamine 19 with a stop codon.
Molecular consequence: nonsense.
Genome position (GRCh38, 1-based): chr12:56,042,476, C>T. VCF-style: chr12-56042476-C-T. GRCh37 (hg19) VCF-style: chr12-56436260-C-T.
Other names: c.55C>T, p.Gln19Ter (LRG_1146t1); short protein forms Q19*.
Identifiers: ClinVar variation 212066 (VCV000212066.7), dbSNP rs797045919, ClinGen allele CA277448.
Genomic context (GRCh38, chr12:56,042,476, plus strand): 5'-CTGTCGCAGACAAAGAAAAGAAGGAACAATGGTCGTGCCAAAAAGGGCCGCGGCCACGTG[C>T]AGCCTATTCGCTGCACTAACTGTGCCCGATGCGTGCCCAAGGACAAGGCCATTAAGAAAT-3'